The following is an entry in ClinVar:

ClinVar aggregate classification (germline): Uncertain significance. Review status: criteria provided, multiple submitters, no conflicts (2 of 4 stars). 2 submissions from 2 submitters: Uncertain significance (2). Last evaluated 2025-08-15.

Conditions:
Hereditary cancer-predisposing syndrome. Also called: Neoplastic Syndromes, Hereditary; Tumor predisposition; Hereditary Cancer Syndrome; Hereditary neoplastic syndrome. Identifiers: Orphanet 140162, MedGen C0027672, MeSH D009386, MONDO:0015356.
Familial cancer of breast. Also called: BREAST CANCER, FAMILIAL; Hereditary breast cancer; hereditary breast carcinoma. Identifiers: Orphanet 227535, MedGen C0346153, MONDO:0016419, OMIM 114480. Disease mechanism: loss of function.

Allele frequency attached by ClinVar (database versions not stated): gnomAD exomes below 0.00001.
gnomAD v4.1: 1 of 1,605,330 alleles (0.000062%); highest among the groups gnomAD compares: African/African-American, 0.0013%; no homozygotes.

Submissions (2):

Ambry Genetics
Classification: Uncertain significance for Hereditary cancer-predisposing syndrome. Last evaluated: 2025-08-15. Review status: criteria provided, single submitter. Criteria: Ambry Variant Classification Scheme 2023. Collection method: clinical testing. Allele origin: germline.
Comment: The p.K73N variant (also known as c.219A>C), located in coding exon 4 of the PALB2 gene, results from an A to C substitution at nucleotide position 219. The lysine at codon 73 is replaced by asparagine, an amino acid with similar properties. This amino acid position is not well conserved in available vertebrate species. In addition, this alteration is predicted to be tolerated by in silico analysis. Since supporting evidence is limited at this time, the clinical significance of this alteration remains unclear.

Labcorp Genetics (formerly Invitae), Labcorp
Classification: Uncertain significance for Familial cancer of breast. Last evaluated: 2023-08-17. Review status: criteria provided, single submitter. Criteria: Invitae Variant Classification Sherloc (09022015). Collection method: clinical testing. Allele origin: germline.
Comment: This variant has not been reported in the literature in individuals affected with PALB2-related conditions. ClinVar contains an entry for this variant (Variation ID: 1787541). This sequence change replaces lysine, which is basic and polar, with asparagine, which is neutral and polar, at codon 73 of the PALB2 protein (p.Lys73Asn). This variant is not present in population databases (gnomAD no frequency). In summary, the available evidence is currently insufficient to determine the role of this variant in disease. Therefore, it has been classified as a Variant of Uncertain Significance. An algorithm developed to predict the effect of missense changes on protein structure and function (PolyPhen-2) suggests that this variant is likely to be disruptive.

NM_024675.4(PALB2):c.219A>C (p.Lys73Asn)

Gene: PALB2 (partner and localizer of BRCA2; minus strand). Cytogenetic location: 16p12.2.
Variant type: single nucleotide variant.
Coding change: c.219A>C on transcript NM_024675.4 (MANE Select); coding-DNA position 219, A replaced by C.
Protein change: p.Lys73Asn; replaces lysine 73 with asparagine.
Molecular consequence: missense variant.
Genome position (GRCh38, 1-based): chr16:23,636,327, T>G on the plus strand (A>C on the coding strand, the complement: PALB2 is on the minus strand). VCF-style: chr16-23636327-T-G. GRCh37 (hg19) VCF-style: chr16-23647648-T-G.
Other names: c.159A>C, p.Lys53Asn (NM_001407296.1); c.219A>C, p.Lys73Asn (NM_001407297.1, NM_001407298.1, NM_001407299.1 and 3 more transcripts); c.-667A>C (NM_001407304.1, NM_001407305.1, NM_001407306.1 and 5 more transcripts); short protein forms K53N, K73N.
Identifiers: ClinVar variation 1787541 (VCV001787541.8), dbSNP rs1172090595, ClinGen allele CA395138978.